The following is an entry in ClinVar:

NM_207352.4(CYP4V2):c.695G>A (p.Arg232Gln)

Gene: CYP4V2 (cytochrome P450 family 4 subfamily V member 2; plus strand). Cytogenetic location: 4q35.1.
Variant type: single nucleotide variant.
Coding change: c.695G>A on transcript NM_207352.4 (MANE Select); coding-DNA position 695, G replaced by A.
Protein change: p.Arg232Gln; replaces arginine 232 with glutamine.
Molecular consequence: missense variant.
Genome position (GRCh38, 1-based): chr4:186,198,977, G>A. VCF-style: chr4-186198977-G-A. GRCh37 (hg19) VCF-style: chr4-187120131-G-A.
Other names: short protein forms R232Q.
Identifiers: ClinVar variation 1023143 (VCV001023143.7), dbSNP rs749306127, ClinGen allele CA3162638.

ClinVar aggregate classification (germline): Uncertain significance. Review status: criteria provided, multiple submitters, no conflicts (2 of 4 stars). 2 submissions from 2 submitters: Uncertain significance (2). Last evaluated 2024-10-15.

Allele frequency attached by ClinVar (database versions not stated): gnomAD 0.00001 and 0.00002; gnomAD exomes 0.00002; TOPMed 0.00002; ExAC 0.00003.
gnomAD v4.1: 23 of 1,613,892 alleles (0.0014%); highest among the groups gnomAD compares: Middle Eastern, 0.033%; no homozygotes.

Submissions (2):

Labcorp Genetics (formerly Invitae), Labcorp
Classification: Uncertain significance. Last evaluated: 2024-10-15. Review status: criteria provided, single submitter. Criteria: Invitae Variant Classification Sherloc (09022015). Collection method: clinical testing. Allele origin: germline.
Comment: This sequence change replaces arginine, which is basic and polar, with glutamine, which is neutral and polar, at codon 232 of the CYP4V2 protein (p.Arg232Gln). This variant is present in population databases (rs749306127, gnomAD 0.005%). This variant has not been reported in the literature in individuals affected with CYP4V2-related conditions. ClinVar contains an entry for this variant (Variation ID: 1023143). Invitae Evidence Modeling of protein sequence and biophysical properties (such as structural, functional, and spatial information, amino acid conservation, physicochemical variation, residue mobility, and thermodynamic stability) indicates that this missense variant is not expected to disrupt CYP4V2 protein function with a negative predictive value of 95%. Algorithms developed to predict the effect of sequence changes on RNA splicing suggest that this variant may disrupt the consensus splice site. In summary, the available evidence is currently insufficient to determine the role of this variant in disease. Therefore, it has been classified as a Variant of Uncertain Significance.

Blueprint Genetics
Classification: Uncertain significance. Last evaluated: 2022-02-19. Review status: criteria provided, single submitter. Criteria: ACMG Guidelines, 2015. Collection method: clinical testing. Allele origin: germline.